The following is an entry in ClinVar:

NM_016955.4(SEPSECS):c.919del (p.Ser307fs)

Gene: SEPSECS (Sep (O-phosphoserine) tRNA:Sec (selenocysteine) tRNA synthase; minus strand). Cytogenetic location: 4p15.2.
Variant type: Deletion.
Coding change: c.919del on transcript NM_016955.4 (MANE Select); coding-DNA position 919, one base deleted (A; older notation c.919delA).
Protein change: p.Ser307fs; shifts the reading frame from serine 307.
Molecular consequence: frameshift variant.
Genome position (GRCh38, 1-based): chr4:25,145,019, T deleted on the plus strand (A on the coding strand, the reverse complement: SEPSECS is on the minus strand). VCF-style (leftmost placement, unchanged base first): chr4-25145018-CT-C. GRCh37 (hg19) VCF-style: chr4-25146640-CT-C.
Other names: c.1174delA, p.Ser392Alafs (NM_001410714.1); c.919delA, p.Ser307Alafs (NM_153825.2); c.919delA (NM_016955.3); short protein forms S307fs.
Identifiers: ClinVar variation 2416280 (VCV002416280.5), dbSNP rs1260383512, ClinGen allele CA550288522.

ClinVar aggregate classification (germline): Pathogenic/Likely pathogenic. Review status: criteria provided, multiple submitters, no conflicts (2 of 4 stars). 3 submissions from 3 submitters: Pathogenic (2); Likely pathogenic (1). Last evaluated 2025-12-10.

Conditions:
Pontocerebellar hypoplasia type 2D (PCH2D). Also called: Progressive cerebello-cerebral atrophy. Identifiers: Orphanet 247198, Orphanet 2524, MedGen C3151140, MONDO:0013438, OMIM 613811.

Allele frequency attached by ClinVar (database versions not stated): TOPMed below 0.00001; gnomAD 0.00001; gnomAD exomes 0.00001.

Submissions (3):

Myriad Genetics, Inc.
Classification: Pathogenic for Pontocerebellar hypoplasia type 2D. Last evaluated: 2025-12-10. Review status: criteria provided, single submitter. Criteria: Myriad Autosomal Dominant, Autosomal Recessive and X-Linked Classification Criteria (2023). Collection method: clinical testing. Allele origin: unknown.
Comment: NM_016955.3(SEPSECS):c.919delA(S307Afs*14) is a frameshift variant classified as pathogenic in the context of pontocerebellar hypoplasia, SEPSECS-related. S307Afs*14 has not been observed in cases with relevant disease. Relevant functional assessments of this variant are not available in the literature. S307Afs*14 has been observed in referenced population frequency databases. In summary, NM_016955.3(SEPSECS):c.919delA(S307Afs*14) is a frameshift variant in a gene where loss of function is a known mechanism of disease and is predicted to disrupt protein function. Please note: this variant was assessed in the context of healthy population screening.

Natera, Inc.
Classification: Likely pathogenic for Pontocerebellar hypoplasia type 2d. Last evaluated: 2025-06-06. Review status: criteria provided, single submitter. Criteria: Natera Variant Classification Schema (03/2026). Collection method: clinical testing. Allele origin: germline.
Comment: The c.919delA variant in SEPSECS is a frameshift variant predicted to shift the reading frame beginning at codon 307 and leads to a stop codon 14 codons downstream. This variant is expected to result in nonsense mediated decay, truncation, or a dysfunctional protein product. This variant is rare in the general population with a frequency below the threshold expected for the associated phenotype(s). Given the available evidence, this variant is classified as Likely Pathogenic.

Labcorp Genetics (formerly Invitae), Labcorp
Classification: Pathogenic. Last evaluated: 2023-05-13. Review status: criteria provided, single submitter. Criteria: Invitae Variant Classification Sherloc (09022015). Collection method: clinical testing. Allele origin: germline.
Comment: For these reasons, this variant has been classified as Pathogenic. ClinVar contains an entry for this variant (Variation ID: 2416280). This variant has not been reported in the literature in individuals affected with SEPSECS-related conditions. This variant is present in population databases (no rsID available, gnomAD 0.002%). This sequence change creates a premature translational stop signal (p.Ser307Alafs*14) in the SEPSECS gene. It is expected to result in an absent or disrupted protein product. Loss-of-function variants in SEPSECS are known to be pathogenic (PMID: 25558065, 25590979, 26115735).

Literature cited by the submitters: PubMed 25558065 (cited by Labcorp Genetics (formerly Invitae), Labcorp); PubMed 25590979 (cited by Labcorp Genetics (formerly Invitae), Labcorp); PubMed 26115735 (cited by Labcorp Genetics (formerly Invitae), Labcorp).